The following is an entry in ClinVar:

GRCh37/hg19 20p11.23(chr20:19188940-19354118)x3

Gene: SLC24A3 (solute carrier family 24 member 3; plus strand). Cytogenetic location: 20p11.23.
Variant type: copy number gain.
Change: copy number 3 (three copies instead of two) of chr20:19,188,940-19,354,118 (165.2 kb, GRCh37 coordinates, 1-based), cytogenetic band 20p11.23.
Identifiers: ClinVar variation 1328444 (VCV001328444.4).

ClinVar aggregate classification (germline): Uncertain significance (1 of 4 stars; one submission).

Submission:

Illumina Laboratory Services, Illumina
Classification: Uncertain significance. Last evaluated: 2020-12-14. Review status: criteria provided, single submitter. Criteria: ICSL CNVClassificationCriteria Aug2020. Collection method: clinical testing. Allele origin: unknown.
Comment: This CNV is an inherited heterozygous ~165 kb gain on chromosome 20 at 20p11.23, (seq[GRCh37]dup(20)(p11.23); chr20:g. 19188940_ 19354118dup). This event fully encompasses the first two exons of the SLC24A3 gene. This gene has not been reported in association with human phenotypes. Individuals with similar gains have not been reported in the peer-reviewed literature nor are they reported in control populations from the Database of Genomic Variants or the Developmental Delay controls (Cooper et al. 2011; MacDonald et al. 2014). Based on the limited evidence, this CNV is classified as a variant of uncertain significance.

Literature cited by the submitters: PubMed 21841781; PubMed 24174537.